The following is an entry in ClinVar:

ClinVar aggregate classification (germline): Pathogenic/Likely pathogenic. Review status: criteria provided, multiple submitters, no conflicts (2 of 4 stars). 3 submissions from 3 submitters: Pathogenic (1); Likely pathogenic (2). Last evaluated 2025-04-24.

Conditions:
Alport syndrome. Also called: Hemorrhagic familial nephritis; Hemorrhagic hereditary nephritis; Congenital hereditary hematuria. Identifiers: Orphanet 63, MedGen C1567741, MONDO:0018965.

Submissions (3):

Natera, Inc.
Classification: Likely pathogenic for Alport syndrome. Last evaluated: 2025-04-24. Review status: criteria provided, single submitter. Criteria: Natera Variant Classification Schema (03/2026). Collection method: clinical testing. Allele origin: germline.
Comment: The c.3768del variant in COL4A3 is a frameshift variant predicted to shift the reading frame beginning at codon 1257 and leads to a stop codon 7 codons downstream. This variant is expected to result in nonsense mediated decay, truncation, or a dysfunctional protein product. This variant is rare in the general population with a frequency below the threshold expected for the associated phenotype(s). Given the available evidence, this variant is classified as Likely Pathogenic.

Labcorp Genetics (formerly Invitae), Labcorp
Classification: Pathogenic. Last evaluated: 2023-04-20. Review status: criteria provided, single submitter. Criteria: Invitae Variant Classification Sherloc (09022015). Collection method: clinical testing. Allele origin: germline.
Comment: For these reasons, this variant has been classified as Pathogenic. ClinVar contains an entry for this variant (Variation ID: 2439376). This variant has not been reported in the literature in individuals affected with COL4A3-related conditions. This variant is not present in population databases (gnomAD no frequency). This sequence change creates a premature translational stop signal (p.Gly1257Aspfs*7) in the COL4A3 gene. It is expected to result in an absent or disrupted protein product. Loss-of-function variants in COL4A3 are known to be pathogenic (PMID: 8956999, 24854265, 26809805, 27281700).

Revvity Omics, Revvity
Classification: Likely pathogenic. Last evaluated: 2022-02-16. Review status: criteria provided, single submitter. Criteria: ACMG Guidelines, 2015. Collection method: clinical testing. Allele origin: germline.

Literature cited by the submitters: PubMed 8956999 (cited by Labcorp Genetics (formerly Invitae), Labcorp); PubMed 24854265 (cited by Labcorp Genetics (formerly Invitae), Labcorp); PubMed 26809805 (cited by Labcorp Genetics (formerly Invitae), Labcorp); PubMed 27281700 (cited by Labcorp Genetics (formerly Invitae), Labcorp).

NM_000091.5(COL4A3):c.3768del (p.Gly1257fs)

Genes: COL4A3 (collagen type IV alpha 3 chain; plus strand), MFF-DT (MFF divergent transcript; minus strand). Cytogenetic location: 2q36.3.
Variant type: Deletion.
Coding change: c.3768del on transcript NM_000091.5 (MANE Select); coding-DNA position 3768, one base deleted (T; older notation c.3768delT).
Protein change: p.Gly1257fs; shifts the reading frame from glycine 1257.
Molecular consequence: frameshift variant.
Genome position (GRCh38, 1-based): chr2:227,298,698, T deleted. VCF-style (leftmost placement, unchanged base first): chr2-227298697-CT-C. GRCh37 (hg19) VCF-style: chr2-228163413-CT-C.
Other names: c.3768del (NM_000091.4); short protein forms G1257fs.
Identifiers: ClinVar variation 2439376 (VCV002439376.8), dbSNP rs2469885478, ClinGen allele CA2580066001.